The following is an entry in ClinVar:

ClinVar aggregate classification (germline): Conflicting classifications of pathogenicity. Review status: criteria provided, conflicting classifications (1 of 4 stars). 3 submissions from 3 submitters: Uncertain significance (1); Likely benign (2). Last evaluated 2025-10-02.

Conditions:
Inborn genetic diseases. Identifiers: MedGen C0950123, MeSH D030342.

Allele frequency attached by ClinVar (database versions not stated): gnomAD exomes 0.00001 and 0.00002; ExAC 0.00002; gnomAD 0.00005; ESP Exome Variant Server 0.00008; TOPMed 0.00008.

Submissions (3):

Labcorp Genetics (formerly Invitae), Labcorp
Classification: Uncertain significance. Last evaluated: 2025-10-02. Review status: criteria provided, single submitter. Criteria: Invitae Variant Classification Sherloc (09022015). Collection method: clinical testing. Allele origin: germline.
Comment: This sequence change replaces methionine, which is neutral and non-polar, with valine, which is neutral and non-polar, at codon 1349 of the AHDC1 protein (p.Met1349Val). This variant is present in population databases (rs369141317, gnomAD 0.02%). This variant has not been reported in the literature in individuals affected with AHDC1-related conditions. ClinVar contains an entry for this variant (Variation ID: 1211634). An algorithm developed to predict the effect of missense changes on protein structure and function (PolyPhen-2) suggests that this variant is likely to be tolerated. In summary, the available evidence is currently insufficient to determine the role of this variant in disease. Therefore, it has been classified as a Variant of Uncertain Significance.

Ambry Genetics
Classification: Likely benign for Inborn genetic diseases. Last evaluated: 2025-04-18. Review status: criteria provided, single submitter. Criteria: Ambry Variant Classification Scheme 2023. Collection method: clinical testing. Allele origin: germline.

GeneDx
Classification: Likely benign. Last evaluated: 2020-04-30. Review status: criteria provided, single submitter. Criteria: GeneDx Variant Classification Process June 2021. Collection method: clinical testing. Allele origin: germline. Affected: yes.

NM_001371928.1(AHDC1):c.4045A>G (p.Met1349Val)

Gene: AHDC1 (AT-hook DNA binding motif containing 1; minus strand). Cytogenetic location: 1p36.11.
Variant type: single nucleotide variant.
Coding change: c.4045A>G on transcript NM_001371928.1 (MANE Select); coding-DNA position 4045, A replaced by G.
Protein change: p.Met1349Val; replaces methionine 1349 with valine.
Molecular consequence: missense variant.
Genome position (GRCh38, 1-based): chr1:27,548,071, T>C on the plus strand (A>G on the coding strand, the complement: AHDC1 is on the minus strand). VCF-style: chr1-27548071-T-C. GRCh37 (hg19) VCF-style: chr1-27874582-T-C.
Other names: c.4045A>G, p.Met1349Val (NM_001029882.3); short protein forms M1349V.
Identifiers: ClinVar variation 1211634 (VCV001211634.10), dbSNP rs369141317, ClinGen allele CA715444.